The following is an entry in ClinVar:

NM_000186.4(CFH):c.3595T>C (p.Phe1199Leu)

Gene: CFH (complement factor H; plus strand). Cytogenetic location: 1q31.3.
Variant type: single nucleotide variant.
Coding change: c.3595T>C on transcript NM_000186.4 (MANE Select); coding-DNA position 3595, T replaced by C.
Protein change: p.Phe1199Leu; replaces phenylalanine 1199 with leucine.
Molecular consequence: missense variant.
Genome position (GRCh38, 1-based): chr1:196,747,212, T>C. VCF-style: chr1-196747212-T-C. GRCh37 (hg19) VCF-style: chr1-196716342-T-C.
Other names: short protein forms F1199L.
Identifiers: ClinVar variation 4291625 (VCV004291625.1).

ClinVar aggregate classification (germline): Likely pathogenic (1 of 4 stars; one submission).

Conditions:
Atypical hemolytic-uremic syndrome. Identifiers: Orphanet 2134, MedGen C2931788, MONDO:0016244.

Submission:

Genomenon, Inc
Classification: Likely pathogenic for Atypical hemolytic-uremic syndrome. Last evaluated: 2025-10-02. Review status: criteria provided, single submitter. Criteria: Genomenon Sequence Variant Interpretation Standards - Updated. Collection method: curation. Allele origin: germline. Affected: yes.
Comment: CFH p.Phe1199Leu (c.3595T>C) is a missense variant that changes the amino acid at residue 1199 from Phenylalanine to Leucine. This variant has been observed in at least one proband affected with atypical hemolytic-uremic syndrome (PMID:33270832;27587606). Functional studies have been reported (PMID:34189567). It is absent or not present at a significant frequency in gnomAD. In silico models agree that this variant is possibly or probably damaging. In conclusion, we classify CFH p.Phe1199Leu (c.3595T>C) as a likely pathogenic variant.

Literature cited by the submitters: PubMed 33270832; PubMed 27587606; PubMed 34189567.